The following is an entry in ClinVar:

NM_000371.4(TTR):c.130C>T (p.Pro44Ser)

Gene: TTR (transthyretin; plus strand). Cytogenetic location: 18q12.1.
Variant type: single nucleotide variant.
Coding change: c.130C>T on transcript NM_000371.4 (MANE Select); coding-DNA position 130, C replaced by T.
Protein change: p.Pro44Ser; replaces proline 44 with serine.
Molecular consequence: missense variant.
Genome position (GRCh38, 1-based): chr18:31,592,956, C>T. VCF-style: chr18-31592956-C-T. GRCh37 (hg19) VCF-style: chr18-29172919-C-T.
Other names: p.P44S:CCT>TCT; short protein forms P44S.
Identifiers: ClinVar variation 181693 (VCV000181693.20), dbSNP rs11541790, ClinGen allele CA297519.
Genomic context (GRCh38, chr18:31,592,956, plus strand): 5'-GGCACCGGTGAATCCAAGTGTCCTCTGATGGTCAAAGTTCTAGATGCTGTCCGAGGCAGT[C>T]CTGCCATCAATGTGGCCGTGCATGTGTTCAGAAAGGCTGCTGATGACACCTGGGAGCCAT-3'
Protein context (NP_000362.1, residues 34-54): VKVLDAVRGS[Pro44Ser]AINVAVHVFR

ClinVar aggregate classification (germline): Pathogenic/Likely pathogenic. Review status: criteria provided, multiple submitters, no conflicts (2 of 4 stars). 7 submissions from 7 submitters: Pathogenic (6); Likely pathogenic (1). Last evaluated 2025-08-13.

Conditions:
Cardiovascular phenotype. Identifiers: MedGen CN230736.
Amyloidosis, hereditary systemic 1 (AMYLD1). Also called: Hereditary Transthyretin Amyloidosis; Isolated Cardiac Amyloidosis; Amyloid Cardiomyopathy, Transthyretin-related; Transthyretin Amyloidosis; Hereditary oculoleptomeningeal amyloid angiopathy; Familial Transthyretin Amyloidosis. Identifiers: Orphanet 85447, Orphanet 85451, MedGen C2751492, MONDO:0971004, OMIM 105210.

Allele frequency attached by ClinVar (database versions not stated): TOPMed below 0.00001; gnomAD 0.00001.
gnomAD v4.1: 1 of 1,614,026 alleles (0.000062%); highest among the groups gnomAD compares: Non-Finnish European, 0.000085%; no homozygotes.

Submissions (7):

Labcorp Genetics (formerly Invitae), Labcorp
Classification: Pathogenic for Amyloidosis, hereditary systemic 1. Last evaluated: 2025-08-13. Review status: criteria provided, single submitter. Criteria: Invitae Variant Classification Sherloc (09022015). Collection method: clinical testing. Allele origin: germline.
Comment: This sequence change replaces proline, which is neutral and non-polar, with serine, which is neutral and polar, at codon 44 of the TTR protein (p.Pro44Ser). This variant is not present in population databases (gnomAD no frequency). This missense change has been observed in individuals with amyloidosis (PMID: 7643356, 24650283). It has also been observed to segregate with disease in related individuals. This variant is also known as p.Pro24Ser. ClinVar contains an entry for this variant (Variation ID: 181693). Invitae Evidence Modeling of protein sequence and biophysical properties (such as structural, functional, and spatial information, amino acid conservation, physicochemical variation, residue mobility, and thermodynamic stability) indicates that this missense variant is expected to disrupt TTR protein function with a positive predictive value of 95%. Experimental studies have shown that this missense change affects TTR function (PMID: 17503405). For these reasons, this variant has been classified as Pathogenic.

Women's Health and Genetics/Laboratory Corporation of America, LabCorp
Classification: Pathogenic for Amyloidosis, hereditary systemic 1. Last evaluated: 2025-05-05. Review status: criteria provided, single submitter. Criteria: LabCorp Variant Classification Summary - May 2015. Collection method: clinical testing. Allele origin: germline.
Comment: Variant summary: TTR c.130C>T (p.Pro44Ser) results in a non-conservative amino acid change in the encoded protein sequence. Algorithms developed to predict the effect of missense changes on protein structure and function all suggest that this variant is likely to be disruptive. The variant was absent in 251632 control chromosomes. c.130C>T has been observed in multiple individuals affected with Transthyretin Amyloidosis (Uemichi_1995, Dasari_2014). These data indicate that the variant is very likely to be associated with disease. At least one publication reports experimental evidence evaluating an impact on protein function. The most pronounced variant effect results in 10%-<30% of normal activity (Altland_2007). The following publications have been ascertained in the context of this evaluation (PMID: 17503405, 24650283, 7643356). ClinVar contains an entry for this variant (Variation ID: 181693). Based on the evidence outlined above, the variant was classified as pathogenic.

Ambry Genetics
Classification: Pathogenic for Cardiovascular phenotype. Last evaluated: 2024-12-17. Review status: criteria provided, single submitter. Criteria: Ambry Variant Classification Scheme 2023. Collection method: clinical testing. Allele origin: germline.
Comment: The p.P44S pathogenic mutation (also known as c.130C>T and p.P24S), located in coding exon 2 of the TTR gene, results from a C to T substitution at nucleotide position 130. The proline at codon 44 is replaced by serine, an amino acid with similar properties. Three additional affected family members and four asymptomatic family members also carried this alteration (Uemichi T et al. J. Med. Genet., 1995 Apr;32:279-81). This alteration was also detected in multiple individuals from a hereditary amyloidosis cohort (Dasari S et al. J. Proteome Res., 2014 May;13:2352-8; Koike H et al. J. Neurol. Sci., 2018 11;394:99-106). Electrophoretic analysis suggested that this alteration caused instability of the functional tetramer (Altland K et al. Electrophoresis, 2007 Jun;28:2053-64). This variant is considered to be rare based on population cohorts in the Genome Aggregation Database (gnomAD). In addition, this alteration is predicted to be deleterious by in silico analysis. Based on the supporting evidence, this alteration is interpreted as a disease-causing mutation.

GeneDx
Classification: Pathogenic. Last evaluated: 2024-07-19. Review status: criteria provided, single submitter. Criteria: GeneDx Variant Classification Process June 2021. Collection method: clinical testing. Allele origin: germline. Affected: yes.
Comment: Presentation is often cardiac-dominant but also includes carpal tunnel syndrome and peripheral neuropathy (PMID: 20301373); Not observed at significant frequency in large population cohorts (gnomAD); In silico analysis supports that this missense variant has a deleterious effect on protein structure/function; Also known as p.(P24S); This variant is associated with the following publications: (PMID: 10842707, 31583185, 31343285, 29984770, 17503405, 28494620, 38117424, 24650283, 19618439, 38661598, 31713445, 31728576, 9487333, 34740514, 32861330, 7643356, 26656838, 30243104, 30553273, 31587306, 33309574, 37610765, 20301373)

Mayo Clinic Laboratories, Mayo Clinic
Classification: Pathogenic. Last evaluated: 2024-07-19. Review status: criteria provided, single submitter. Criteria: ACMG Guidelines, 2015. Collection method: clinical testing. Allele origin: germline.

Athena Diagnostics
Classification: Pathogenic. Last evaluated: 2023-07-21. Review status: criteria provided, single submitter. Criteria: Athena Diagnostics Criteria. Collection method: clinical testing. Allele origin: unknown.
Comment: The frequency of this variant in the general population is consistent with pathogenicity. (Genome Aggregation Database (gnomAD), Cambridge, MA (URL)) This variant has been identified in multiple unrelated individuals with clinical features associated with this gene. In some published literature, this variant is referred to as 1661C>T, Pro24Ser. Computational tools predict that this variant is damaging.

Stanford Center for Inherited Cardiovascular Disease, Stanford University
Classification: Likely pathogenic. Last evaluated: 2014-02-10. Review status: criteria provided, single submitter. Criteria: ACMG Guidelines, 2015. Collection method: provider interpretation. Allele origin: germline.

Literature cited by the submitters: PubMed 7643356 (cited by 4 submitters); PubMed 24650283 (cited by 4 submitters); PubMed 17503405 (cited by 4 submitters); PubMed 30243104 (cited by Ambry Genetics and Athena Diagnostics); PubMed 30553273 (cited by Ambry Genetics and Athena Diagnostics); PubMed 31728576 (cited by Athena Diagnostics); PubMed 31583185 (cited by Athena Diagnostics); PubMed 19618439 (cited by Athena Diagnostics); PubMed 29984770 (cited by Athena Diagnostics); PubMed 28494620 (cited by Athena Diagnostics); PubMed 31587306 (cited by Athena Diagnostics); PubMed 24101373 (cited by Athena Diagnostics); PubMed 26656838 (cited by Athena Diagnostics); PubMed 31343285 (cited by Athena Diagnostics); PubMed 31713445 (cited by Athena Diagnostics); PubMed 33309574 (cited by Athena Diagnostics); PubMed 30169969 (cited by Athena Diagnostics); PubMed 32861330 (cited by Athena Diagnostics); PubMed 34740514 (cited by Athena Diagnostics).